The following is an entry in ClinVar:

NM_032444.4(SLX4):c.103C>T (p.Pro35Ser)

Gene: SLX4 (SLX4 structure-specific endonuclease subunit; minus strand). Cytogenetic location: 16p13.3.
Variant type: single nucleotide variant.
Coding change: c.103C>T on transcript NM_032444.4 (MANE Select); coding-DNA position 103, C replaced by T.
Protein change: p.Pro35Ser; replaces proline 35 with serine.
Molecular consequence: missense variant.
Genome position (GRCh38, 1-based): chr16:3,608,862, G>A on the plus strand (C>T on the coding strand, the complement: SLX4 is on the minus strand). VCF-style: chr16-3608862-G-A. GRCh37 (hg19) VCF-style: chr16-3658863-G-A.
Other names: short protein forms P35S.
Identifiers: ClinVar variation 1006888 (VCV001006888.7), dbSNP rs2040816588, ClinGen allele CA394547955.
Genomic context (GRCh38, chr16:3,608,862, plus strand): 5'-AGAGTTCTTTAAAGTCCTCATCAGACTCATCCATCATCTGACCAGTTTTAAGGCTTTCAG[G>A]CTGGTCTTCAGAGGAGCGAGGGTCAATCCCAGGACAGGCAGACAGATGAGAAAGTGAACC-3'
Protein context (NP_115820.2, residues 25-45): GIDPRSSEDQ[Pro35Ser]ESLKTGQMMD

ClinVar aggregate classification (germline): Uncertain significance (1 of 4 stars; one submission).

Conditions:
Fanconi anemia (FA). Also called: Fanconi's anemia. Identifiers: Orphanet 84, MedGen C0015625, MeSH D005199, MONDO:0019391.

Allele frequency attached by ClinVar (database versions not stated): gnomAD exomes below 0.00001; TOPMed below 0.00001.
gnomAD v4.1: 1 of 1,614,110 alleles (0.000062%); highest among the groups gnomAD compares: South Asian, 0.0011%; no homozygotes.

Submission:

Labcorp Genetics (formerly Invitae), Labcorp
Classification: Uncertain significance for Fanconi anemia. Last evaluated: 2020-10-19. Review status: criteria provided, single submitter. Criteria: Invitae Variant Classification Sherloc (09022015). Collection method: clinical testing. Allele origin: germline.
Comment: In summary, the available evidence is currently insufficient to determine the role of this variant in disease. Therefore, it has been classified as a Variant of Uncertain Significance. Algorithms developed to predict the effect of missense changes on protein structure and function output the following: SIFT: "Deleterious"; PolyPhen-2: "Benign"; Align-GVGD: "Class C0". The serine amino acid residue is found in multiple mammalian species, suggesting that this missense change does not adversely affect protein function. These predictions have not been confirmed by published functional studies and their clinical significance is uncertain. This variant has not been reported in the literature in individuals with SLX4-related conditions. This variant is not present in population databases (ExAC no frequency). This sequence change replaces proline with serine at codon 35 of the SLX4 protein (p.Pro35Ser). The proline residue is weakly conserved and there is a moderate physicochemical difference between proline and serine.